The following is an entry in ClinVar:

ClinVar aggregate classification (germline): Likely benign (1 of 4 stars; one submission).

Submission:

CeGaT Center for Human Genetics Tuebingen
Classification: Likely benign. Last evaluated: 2024-03-01. Review status: criteria provided, single submitter. Criteria: CeGaT Center For Human Genetics Tuebingen Variant Classification Criteria Version 2. Collection method: clinical testing. Allele origin: germline. Affected: yes. Observed: 4 variant alleles.
Comment: APC: BS1

NM_000038.6(APC):c.*210_*213del

Gene: APC (APC regulator of Wnt signaling pathway; plus strand). Cytogenetic location: 5q22.2.
Variant type: Deletion.
Coding change: c.*210_*213del on transcript NM_000038.6 (MANE Select); 210 bases downstream of the stop codon through 213 bases downstream of the stop codon, 4 bases deleted (AATA; older notation c.*210_*213delAATA).
Molecular consequence: 3 prime UTR variant.
Genome position (GRCh38, 1-based): chr5:112,844,336-112,844,339, AATA deleted; deleting any 4 consecutive bases within chr5:112,844,335-112,844,339 gives the same sequence; the c. name uses the placement nearest the transcript's 3' end. VCF-style (leftmost placement, unchanged base first): chr5-112844334-AAAAT-A. GRCh37 (hg19) VCF-style: chr5-112180031-AAAAT-A.
Other names: c.*210_*213del (NM_001127510.3, NM_001127511.3, NM_001354895.2 and 11 more transcripts).
Identifiers: ClinVar variation 350427 (VCV000350427.34), dbSNP rs763673039, ClinGen allele CA10622255.
Genomic context (GRCh38, chr5:112,844,334, plus strand): 5'-TGATAGTATACTTTGTCTTCACTGGTCTTATTTTGGGAGGCACTCTTGATGGTTAGGAAA[AAAAT>A]AGTAAAGCCAAGTATGTTTGTACAGTATGTTTTACATGTATTTAAAGTAGCATCCCATCC-3'